The following is an entry in ClinVar:

NM_004371.4(COPA):c.925+2T>C

Gene: COPA (coat protein complex I subunit alpha; minus strand). Cytogenetic location: 1q23.2.
Variant type: single nucleotide variant.
Coding change: c.925+2T>C on transcript NM_004371.4 (MANE Select); the canonical splice donor site of the intron after coding-DNA position 925, T replaced by C.
Molecular consequence: splice donor variant.
Genome position (GRCh38, 1-based): chr1:160,313,083, A>G on the plus strand (T>C on the coding strand, the complement: COPA is on the minus strand). VCF-style: chr1-160313083-A-G. GRCh37 (hg19) VCF-style: chr1-160282873-A-G.
Other names: c.925+2T>C (NM_001098398.2).
Identifiers: ClinVar variation 656343 (VCV000656343.7), dbSNP rs1388547930, ClinGen allele CA343262153.

ClinVar aggregate classification (germline): Uncertain significance (1 of 4 stars; one submission).

Conditions:
Autoimmune interstitial lung disease-arthritis syndrome. Also called: Autoinflammation and autoimmunity, systemic, with immune dysregulation. Identifiers: Orphanet 444092, MedGen C5975714, MONDO:0014629.

Allele frequency attached by ClinVar (database versions not stated): TOPMed below 0.00001.

Submission:

Labcorp Genetics (formerly Invitae), Labcorp
Classification: Uncertain significance for Autoimmune interstitial lung disease-arthritis syndrome. Last evaluated: 2018-10-01. Review status: criteria provided, single submitter. Criteria: Invitae Variant Classification Sherloc (09022015). Collection method: clinical testing. Allele origin: germline.
Comment: In summary, the available evidence is currently insufficient to determine the role of this variant in disease. Therefore, it has been classified as a Variant of Uncertain Significance. This sequence change affects a donor splice site in intron 10 of the COPA gene. It is expected to disrupt RNA splicing and likely results in an absent or disrupted protein product. This variant is not present in population databases (ExAC no frequency). This variant has not been reported in the literature in individuals with COPA-related disease. The current clinical and genetic evidence is not sufficient to establish whether loss-of-function variants in COPA cause disease.